The following is an entry in ClinVar:

ClinVar aggregate classification (germline): Likely pathogenic (1 of 4 stars; one submission).

Conditions:
EGFR-related lung cancer (EGFR). Identifiers: MedGen CN130014.

Submission:

Labcorp Genetics (formerly Invitae), Labcorp
Classification: Likely pathogenic for EGFR-related lung cancer. Last evaluated: 2021-12-18. Review status: criteria provided, single submitter. Criteria: Invitae Variant Classification Sherloc (09022015). Collection method: clinical testing. Allele origin: germline.
Comment: This variant is not present in population databases (gnomAD no frequency). This variant has not been reported in the literature in individuals affected with EGFR-related conditions. Algorithms developed to predict the effect of sequence changes on RNA splicing suggest that this variant may disrupt the consensus splice site. In summary, the currently available evidence indicates that the variant is pathogenic, but additional data are needed to prove that conclusively. Therefore, this variant has been classified as Likely Pathogenic. This sequence change affects an acceptor splice site in intron 5 of the EGFR gene. It is expected to disrupt RNA splicing. Variants that disrupt the donor or acceptor splice site typically lead to a loss of protein function (PMID: 16199547), and loss-of-function variants in EGFR are known to be pathogenic (PMID: 7630400, 28726809, 29899996).

Literature cited by the submitters: PubMed 16199547; PubMed 7630400; PubMed 28726809; PubMed 29899996.

NM_005228.5(EGFR):c.629-2A>G

Gene: EGFR (epidermal growth factor receptor; plus strand). Cytogenetic location: 7p11.2.
Variant type: single nucleotide variant.
Coding change: c.629-2A>G on transcript NM_005228.5 (MANE Select); the canonical splice acceptor site of the intron before coding-DNA position 629, A replaced by G.
Molecular consequence: splice acceptor variant. On other transcripts: intron variant (1).
Genome position (GRCh38, 1-based): chr7:55,152,544, A>G. VCF-style: chr7-55152544-A-G. GRCh37 (hg19) VCF-style: chr7-55220237-A-G.
Other names: c.494-2A>G (NM_001346899.2, NM_001346897.2); c.89-3286A>G (NM_001346941.2); c.629-2A>G (NM_001346898.2, NM_201284.2, NM_201282.2 and 1 more transcripts); c.470-2A>G (NM_001346900.2).
Identifiers: ClinVar variation 2046879 (VCV002046879.4), dbSNP rs2128933635, ClinGen allele CA367577310.
Genomic context (GRCh38, chr7:55,152,544, plus strand): 5'-ATCCCTGGGAAATGATCCTACCCTCACTCTTCAGCTCACAGGGAACCTTTGCTCTTTTTC[A>G]GTGACCAAAATCATCTGTGCCCAGCAGTGCTCCGGGCGCTGCCGTGGCAAGTCCCCCAGT-3'